The following is an entry in ClinVar:

NM_000391.4(TPP1):c.274T>C (p.Ser92Pro)

Gene: TPP1 (tripeptidyl peptidase 1; minus strand). Cytogenetic location: 11p15.4.
Variant type: single nucleotide variant.
Coding change: c.274T>C on transcript NM_000391.4 (MANE Select); coding-DNA position 274, T replaced by C.
Protein change: p.Ser92Pro; replaces serine 92 with proline.
Molecular consequence: missense variant.
Genome position (GRCh38, 1-based): chr11:6,617,732, A>G on the plus strand (T>C on the coding strand, the complement: TPP1 is on the minus strand). VCF-style: chr11-6617732-A-G. GRCh37 (hg19) VCF-style: chr11-6638963-A-G.
Other names: short protein forms S92P.
Identifiers: ClinVar variation 1036563 (VCV001036563.7), dbSNP rs372102190, ClinGen allele CA5859002.

ClinVar aggregate classification (germline): Uncertain significance. Review status: criteria provided, multiple submitters, no conflicts (2 of 4 stars). 2 submissions from 2 submitters: Uncertain significance (2). Last evaluated 2021-08-27.

Allele frequency attached by ClinVar (database versions not stated): gnomAD 0.00001; TOPMed 0.00002; ESP Exome Variant Server 0.00008.

Submissions (2):

Labcorp Genetics (formerly Invitae), Labcorp
Classification: Uncertain significance. Last evaluated: 2021-08-27. Review status: criteria provided, single submitter. Criteria: Invitae Variant Classification Sherloc (09022015). Collection method: clinical testing. Allele origin: germline.
Comment: This sequence change replaces serine with proline at codon 92 of the TPP1 protein (p.Ser92Pro). The serine residue is highly conserved and there is a moderate physicochemical difference between serine and proline. This variant is present in population databases (rs372102190, ExAC 0.001%). This variant has not been reported in the literature in individuals affected with TPP1-related conditions. Algorithms developed to predict the effect of missense changes on protein structure and function are either unavailable or do not agree on the potential impact of this missense change (SIFT: "Deleterious"; PolyPhen-2: "Benign"; Align-GVGD: "Class C65"). In summary, the available evidence is currently insufficient to determine the role of this variant in disease. Therefore, it has been classified as a Variant of Uncertain Significance.

Blueprint Genetics
Classification: Uncertain significance. Last evaluated: 2019-12-16. Review status: criteria provided, single submitter. Criteria: ACMG Guidelines, 2015. Collection method: clinical testing. Allele origin: germline.